The following is an entry in ClinVar:

ClinVar aggregate classification (germline): Pathogenic (1 of 4 stars; one submission).

Conditions:
Creatine transporter deficiency (CCDS1). Also called: CEREBRAL CREATINE DEFICIENCY SYNDROME 1; Mental retardation , X-linked with seizures, short stature and midface hypoplasia; Mental retardation , X-linked, with creatine transport deficiency; X-linked creatine transporter deficiency; X-linked creatine deficiency syndrome; SLC6A8-Related Creatine Transporter Deficiency. Identifiers: Orphanet 52503, MedGen C1845862, MONDO:0010305, OMIM 300352.

Submission:

Labcorp Genetics (formerly Invitae), Labcorp
Classification: Pathogenic for Creatine transporter deficiency. Last evaluated: 2023-06-09. Review status: criteria provided, single submitter. Criteria: Invitae Variant Classification Sherloc (09022015). Collection method: clinical testing. Allele origin: germline.
Comment: For these reasons, this variant has been classified as Pathogenic. Algorithms developed to predict the effect of sequence changes on RNA splicing suggest that this variant may disrupt the consensus splice site. This variant has not been reported in the literature in individuals affected with SLC6A8-related conditions. This variant is not present in population databases (gnomAD no frequency). This sequence change creates a premature translational stop signal (p.Leu430Argfs*34) in the SLC6A8 gene. It is expected to result in an absent or disrupted protein product. Loss-of-function variants in SLC6A8 are known to be pathogenic (PMID: 22281021).

Literature cited by the submitters: PubMed 22281021.

NM_005629.4(SLC6A8):c.1289_1290del (p.Leu430fs)

Gene: SLC6A8 (solute carrier family 6 member 8; plus strand). Cytogenetic location: Xq28.
Variant type: Deletion.
Coding change: c.1289_1290del on transcript NM_005629.4 (MANE Select); coding-DNA positions 1289 to 1290, 2 bases deleted (TC; older notation c.1289_1290delTC).
Protein change: p.Leu430fs; shifts the reading frame from leucine 430.
Molecular consequence: frameshift variant.
Genome position (GRCh38, 1-based): chrX:153,694,164-153,694,165, TC deleted; deleting any 2 consecutive bases within chrX:153,694,163-153,694,165 gives the same sequence; the c. name uses the placement nearest the transcript's 3' end. VCF-style (leftmost placement, unchanged base first): chrX-153694162-CCT-C. GRCh37 (hg19) VCF-style: chrX-152959617-CCT-C.
Other names: c.1259_1260del, p.Leu420fs (NM_001142805.2); c.944_945del, p.Leu315fs (NM_001142806.1); short protein forms L420fs, L430fs, L315fs.
Identifiers: ClinVar variation 2706794 (VCV002706794.3), dbSNP rs2522166311, ClinGen allele CA2697544807.